The following is an entry in ClinVar:

ClinVar aggregate classification (germline): Uncertain significance (1 of 4 stars; one submission).

Conditions:
Autosomal recessive severe congenital neutropenia due to CSF3R deficiency. Also called: Neutropenia, severe congenital, 7, autosomal recessive. Identifiers: Orphanet 420702, MedGen C4310764, MONDO:0014865, OMIM 617014.

Submission:

Labcorp Genetics (formerly Invitae), Labcorp
Classification: Uncertain significance for Autosomal recessive severe congenital neutropenia due to CSF3R deficiency. Last evaluated: 2022-10-25. Review status: criteria provided, single submitter. Criteria: Invitae Variant Classification Sherloc (09022015). Collection method: clinical testing. Allele origin: germline.
Comment: In summary, the available evidence is currently insufficient to determine the role of this variant in disease. Therefore, it has been classified as a Variant of Uncertain Significance. Algorithms developed to predict the effect of missense changes on protein structure and function are either unavailable or do not agree on the potential impact of this missense change (SIFT: "Deleterious"; PolyPhen-2: "Probably Damaging"; Align-GVGD: "Class C0"). This variant has not been reported in the literature in individuals affected with CSF3R-related conditions. This variant is not present in population databases (gnomAD no frequency). This sequence change replaces arginine, which is basic and polar, with leucine, which is neutral and non-polar, at codon 769 of the CSF3R protein (p.Arg769Leu).

NM_000760.4(CSF3R):c.2306G>T (p.Arg769Leu)

Gene: CSF3R (colony stimulating factor 3 receptor; minus strand). Cytogenetic location: 1p34.3.
Variant type: single nucleotide variant.
Coding change: c.2306G>T on transcript NM_000760.4 (MANE Select); coding-DNA position 2306, G replaced by T.
Protein change: p.Arg769Leu; replaces arginine 769 with leucine.
Molecular consequence: missense variant. On other transcripts: intron variant (1).
Genome position (GRCh38, 1-based): chr1:36,466,562, C>A on the plus strand (G>T on the coding strand, the complement: CSF3R is on the minus strand). VCF-style: chr1-36466562-C-A. GRCh37 (hg19) VCF-style: chr1-36932163-C-A.
Other names: c.2387G>T, p.Arg796Leu (NM_156039.3); c.2247+59G>T (NM_172313.3); short protein forms R769L, R796L.
Identifiers: ClinVar variation 2068646 (VCV002068646.4), dbSNP rs765499767, ClinGen allele CA339413317.
Genomic context (GRCh38, chr1:36,466,562, plus strand): 5'-TTCTCATAGGACTTGGGGCTGGGGGTGAGGCCCGCCAAGAGGGGCTGAGTGGAGTCACAG[C>A]GGAGATAGTGCCCTGGCCCTGGGCTTGTGGGGCTGCCCAGCAGCTGCCCATAAAGGACCT-3'
Protein context (NP_000751.1, residues 759-779): PTSPGPGHYL[Arg769Leu]CDSTQPLLAG